The following is an entry in ClinVar:

NM_000044.6(AR):c.2495G>A (p.Arg832Gln)

Gene: AR (androgen receptor; plus strand). Cytogenetic location: Xq12.
Variant type: single nucleotide variant.
Coding change: c.2495G>A on transcript NM_000044.6 (MANE Select); coding-DNA position 2495, G replaced by A.
Protein change: p.Arg832Gln; replaces arginine 832 with glutamine.
Molecular consequence: missense variant.
Genome position (GRCh38, 1-based): chrX:67,722,872, G>A. VCF-style: chrX-67722872-G-A. GRCh37 (hg19) VCF-style: chrX-66942714-G-A.
Other names: c.899G>A, p.Arg300Gln (NM_001011645.3); c.2495G>A (NM_000044.2); short protein forms R832Q, R300Q.
Identifiers: ClinVar variation 458366 (VCV000458366.53), dbSNP rs1386577803, ClinGen allele CA413427711.

ClinVar aggregate classification (germline): Pathogenic. Review status: criteria provided, multiple submitters, no conflicts (2 of 4 stars). 8 submissions from 8 submitters: Pathogenic (8). Last evaluated 2025-09-10.

Conditions:
Androgen resistance syndrome (AIS). Also called: Androgen insensitivity, complete; Androgen insensitivity syndrome; Androgen insensitivity syndrome due to coactivator deficiency; Androgen insensitivity; DHTR DEFICIENCY; ANDROGEN RECEPTOR DEFICIENCY. Identifiers: Orphanet 754, Orphanet 99429, MedGen C0039585, MONDO:0019154, OMIM 300068. Disease mechanism: loss of function.
Kennedy disease (SMAX1). Also called: KENNEDY SPINAL AND BULBAR MUSCULAR ATROPHY; SPINAL AND BULBAR MUSCULAR ATROPHY, X-LINKED 1; Spinal and Bulbar Muscular Atrophy. Identifiers: Orphanet 481, MedGen C1839259, MONDO:0010735, OMIM 313200.
AR-related disorders.

Allele frequency attached by ClinVar (database versions not stated): gnomAD 0.00001; TOPMed 0.00001.
gnomAD v4.1: 1 of 1,208,743 alleles (0.000083%); no homozygotes.

Submissions (8):

Genomic Medicine Center of Excellence, King Faisal Specialist Hospital and Research Centre
Classification: Pathogenic for Androgen resistance syndrome. Last evaluated: 2025-09-10. Review status: criteria provided, single submitter. Criteria: ACMG Guidelines, 2015. Collection method: clinical testing. Allele origin: germline.

GeneDx
Classification: Pathogenic. Last evaluated: 2025-03-26. Review status: criteria provided, single submitter. Criteria: GeneDx Variant Classification Process June 2021. Collection method: clinical testing. Allele origin: germline. Affected: yes.
Comment: Published functional studies demonstrate absent ligand binding activity and absence of reporter gene stimulation (PMID: 2082179); Missense variants in this gene are often considered pathogenic (HGMD); In silico analysis supports that this missense variant has a deleterious effect on protein structure/function; Not observed at significant frequency in large population cohorts (gnomAD); This variant is associated with the following publications: (PMID: 37493574, 31277073, 20364341, 20150575, 10834333, 10458483, 26778393, 2082179, 32784047)

Labcorp Genetics (formerly Invitae), Labcorp
Classification: Pathogenic for Kennedy disease; Androgen resistance syndrome. Last evaluated: 2025-02-18. Review status: criteria provided, single submitter. Criteria: Invitae Variant Classification Sherloc (09022015). Collection method: clinical testing. Allele origin: germline.
Comment: This sequence change replaces arginine, which is basic and polar, with glutamine, which is neutral and polar, at codon 832 of the AR protein (p.Arg832Gln). This variant is not present in population databases (gnomAD no frequency). This missense change has been observed in individuals with androgen receptor insensitivity (PMID: 2082179, 10458483, 10834333, 20150575, 26778393). It has also been observed to segregate with disease in related individuals. This variant is also known as p.Arg830Gln and p.Arg831Gln. ClinVar contains an entry for this variant (Variation ID: 458366). Invitae Evidence Modeling of protein sequence and biophysical properties (such as structural, functional, and spatial information, amino acid conservation, physicochemical variation, residue mobility, and thermodynamic stability) indicates that this missense variant is expected to disrupt AR protein function with a positive predictive value of 95%. Experimental studies have shown that this missense change affects AR function (PMID: 2082179, 7633398, 10458483). For these reasons, this variant has been classified as Pathogenic.

Genetic Services Laboratory, University of Chicago
Classification: Pathogenic. Last evaluated: 2024-12-18. Review status: criteria provided, single submitter. Criteria: ACMG Guidelines, 2015. Collection method: clinical testing. Allele origin: germline. Affected: yes.
Comment: DNA sequence analysis of the AR gene demonstrated a sequence change, c.2495G>A, in exon 7 that results in an amino acid change, p.Arg832Gln. This sequence change has not been described in population databases such as ExAC and gnomAD (version 2). The p.Arg832Gln change affects a highly conserved amino acid residue located in a domain of the AR protein that is known to be functional. In-silico pathogenicity prediction tools (SIFT, PolyPhen2, Align GVGD, REVEL) provide contradictory results for the p.Arg832Gln substitution. The c.2495G>A sequence change has previously been described in multiple individuals with complete androgen insensitivity (PMID: 10458483, 10834333, 2082179, 26778393). The p.Arg832Gln amino acid change occurs in a region of the AR gene where other missense sequence changes have been described in individuals with AR-related disorders (PMID: 7633398, 29051026). Functional studies have shown that this sequence change affects AR protein function (PMID: 2082179). These collective evidences indicate that this sequence change is pathogenic.

Victorian Clinical Genetics Services, Murdoch Childrens Research Institute
Classification: Pathogenic for Androgen resistance syndrome. Last evaluated: 2022-06-24. Review status: criteria provided, single submitter. Criteria: ACMG Guidelines, 2015. Collection method: clinical testing. Allele origin: germline. Inheritance: X-linked recessive inheritance. Affected: yes.
Comment: Based on the classification scheme VCGS_Germline_v1.3.4, this variant is classified as Pathogenic. Following criteria are met: 0102 - Loss of function is a known mechanism of disease in this gene and is associated with androgen insensitivity (MIM#300068), androgen insensitivity, partial, with or without breast cancer (MIM#312300), hypospadias 1, X-linked (MIM#300633), or spinal and bulbar muscular atrophy of Kennedy (MIM#313200). (I) 0109 - This gene is associated with X-linked recessive disease. (I) 0200 - Variant is predicted to result in a missense amino acid change from arginine to glutamine. (I) 0253 - This variant is hemizygous. (I) 0302 - Variant is present in gnomAD (v3) <0.001 for a dominant condition (0 heterozygotes, 0 homozygotes, 1 hemizygote). (SP) 0501 - Missense variant consistently predicted to be damaging by multiple in silico tools or highly conserved with a major amino acid change. (SP) 0600 - Variant is located in the annotated ligand binding domain of the nuclear receptor androgen receptor (NCBI conserved domains). (I) 0801 - This variant has strong previous evidence of pathogenicity in unrelated individuals. This variant has been reported several times as pathogenic, and observed in hemizygous individuals with complete androgen insensitivity syndrome or aplasia of the uterus (ClinVar, DECIPHER, PMID: 30815925, PMID: 26778393, PMID: 2082179). (SP) 1001 - This variant has strong functional evidence supporting abnormal protein function. Genital fibroblasts from an affected individual were shown to abolish ligand binding ability (PMID: 2082179). (SP) 1208 - Inheritance information for this variant is not currently available in this individual. (I) Legend: (SP) - Supporting pathogenic, (I) - Information, (SB) - Supporting benign

CeGaT Center for Human Genetics Tuebingen
Classification: Pathogenic. Last evaluated: 2020-06-01. Review status: criteria provided, single submitter. Criteria: CeGaT Center For Human Genetics Tuebingen Variant Classification Criteria Version 2. Collection method: clinical testing. Allele origin: germline. Affected: yes. Observed: 2 variant alleles.

Blueprint Genetics
Classification: Pathogenic for AR-related disorders. Last evaluated: 2018-08-31. Review status: criteria provided, single submitter. Criteria: ACMG Guidelines, 2015. Collection method: clinical testing. Allele origin: germline. Affected: yes. Observed: 1 variant allele.

Clinical Genetics and Genomics, Karolinska University Hospital
Classification: Pathogenic. Last evaluated: 2015-06-26. Review status: criteria provided, single submitter. Criteria: ACMG Guidelines, 2015. Collection method: clinical testing. Allele origin: germline. Affected: yes. Observed: 1 variant allele.

Literature cited by the submitters: PubMed 2082179 (cited by Labcorp Genetics (formerly Invitae), Labcorp and Victorian Clinical Genetics Services, Murdoch Childrens Research Institute); PubMed 10458483 (cited by Labcorp Genetics (formerly Invitae), Labcorp); PubMed 10834333 (cited by Labcorp Genetics (formerly Invitae), Labcorp); PubMed 20150575 (cited by Labcorp Genetics (formerly Invitae), Labcorp); PubMed 26778393 (cited by Labcorp Genetics (formerly Invitae), Labcorp and Victorian Clinical Genetics Services, Murdoch Childrens Research Institute); PubMed 7633398 (cited by Labcorp Genetics (formerly Invitae), Labcorp); PubMed 30815925 (cited by Victorian Clinical Genetics Services, Murdoch Childrens Research Institute).